The following is an entry in ClinVar:

ClinVar aggregate classification (germline): Uncertain significance (1 of 4 stars; one submission).

Submission:

Labcorp Genetics (formerly Invitae), Labcorp
Classification: Uncertain significance. Last evaluated: 2021-05-03. Review status: criteria provided, single submitter. Criteria: Invitae Variant Classification Sherloc (09022015). Collection method: clinical testing. Allele origin: germline.
Comment: This sequence change replaces lysine with arginine at codon 1240 of the PCLO protein (p.Lys1240Arg). The lysine residue is weakly conserved and there is a small physicochemical difference between lysine and arginine. This variant is not present in population databases (ExAC no frequency). This variant has not been reported in the literature in individuals with PCLO-related conditions. Algorithms developed to predict the effect of missense changes on protein structure and function output the following: SIFT: "Tolerated"; PolyPhen-2: "Not Available"; Align-GVGD: "Class C0". The arginine amino acid residue is found in multiple mammalian species, suggesting that this missense change does not adversely affect protein function. These predictions have not been confirmed by published functional studies and their clinical significance is uncertain. In summary, the available evidence is currently insufficient to determine the role of this variant in disease. Therefore, it has been classified as a Variant of Uncertain Significance.

NM_033026.6(PCLO):c.3719A>G (p.Lys1240Arg)

Gene: PCLO (piccolo presynaptic cytomatrix protein; minus strand). Cytogenetic location: 7q21.11.
Variant type: single nucleotide variant.
Coding change: c.3719A>G on transcript NM_033026.6 (MANE Select); coding-DNA position 3719, A replaced by G.
Protein change: p.Lys1240Arg; replaces lysine 1240 with arginine.
Molecular consequence: missense variant.
Genome position (GRCh38, 1-based): chr7:82,966,069, T>C on the plus strand (A>G on the coding strand, the complement: PCLO is on the minus strand). VCF-style: chr7-82966069-T-C. GRCh37 (hg19) VCF-style: chr7-82595385-T-C.
Other names: c.3719A>G, p.Lys1240Arg (NM_014510.3); short protein forms K1240R.
Identifiers: ClinVar variation 1476939 (VCV001476939.8), dbSNP rs2115660311, ClinGen allele CA367932370.